The following is an entry in ClinVar:

NM_007325.5(GRIA3):c.69G>A (p.Leu23=)

Gene: GRIA3 (glutamate ionotropic receptor AMPA type subunit 3; plus strand). Cytogenetic location: Xq25.
Variant type: single nucleotide variant.
Coding change: c.69G>A on transcript NM_007325.5 (MANE Select); coding-DNA position 69, G replaced by A.
Protein change: p.Leu23=; no amino-acid change (leucine 23 retained).
Molecular consequence: synonymous variant.
Genome position (GRCh38, 1-based): chrX:123,184,604, G>A. VCF-style: chrX-123184604-G-A. GRCh37 (hg19) VCF-style: chrX-122318456-G-A.
Other names: c.69G>A, p.Leu23= (NM_000828.5, NM_001256743.2).
Identifiers: ClinVar variation 1028874 (VCV001028874.10), dbSNP rs759740734, ClinGen allele CA518159385.

ClinVar aggregate classification (germline): Conflicting classifications of pathogenicity. Review status: criteria provided, conflicting classifications (1 of 4 stars). 2 submissions from 2 submitters: Uncertain significance (1); Likely benign (1). Last evaluated 2022-07-19.

Conditions:
Syndromic X-linked intellectual disability 94 (MRXSW). Also called: MENTAL RETARDATION, X-LINKED, SYNDROMIC 29; X-linked intellectual disability due to GRIA3 anomalies. Identifiers: Orphanet 364028, MedGen C2678051, MONDO:0010402, OMIM 300699.

Submissions (4):

Labcorp Genetics (formerly Invitae), Labcorp
Classification: Likely benign. Last evaluated: 2022-07-19. Review status: criteria provided, single submitter. Criteria: Invitae Variant Classification Sherloc (09022015). Collection method: clinical testing. Allele origin: germline.

Baylor Genetics
Classification: Uncertain significance for Syndromic X-linked intellectual disability 94. Last evaluated: 2020-02-17. Review status: criteria provided, single submitter. Criteria: ACMG Guidelines, 2015. Collection method: clinical testing. Allele origin: unknown. Affected: yes.
Comment: This variant was determined to be of uncertain significance according to ACMG Guidelines, 2015 [PMID:25741868].

Dr. Peter K. Rogan Lab, Western University
No classification provided (evidence only). Condition: Thyroid cancer, nonmedullary, 1. Review status: no classification provided. Collection method: in vitro. Allele origin: not applicable. Functional consequence: retained intron. Not counted in ClinVar's aggregate classification.

Dr. Peter K. Rogan Lab, Western University
No classification provided (evidence only). Condition: Thyroid cancer, nonmedullary, 1. Review status: no classification provided. Collection method: in vitro. Allele origin: not applicable. Functional consequence: retained intron. Not counted in ClinVar's aggregate classification.